The following is an entry in ClinVar:

NM_001378454.1(ALMS1):c.9062C>G (p.Ser3021Cys)

Gene: ALMS1 (ALMS1 centrosome and basal body associated protein; plus strand). Cytogenetic location: 2p13.1.
Variant type: single nucleotide variant.
Coding change: c.9062C>G on transcript NM_001378454.1 (MANE Select); coding-DNA position 9062, C replaced by G.
Protein change: p.Ser3021Cys; replaces serine 3021 with cysteine.
Molecular consequence: missense variant.
Genome position (GRCh38, 1-based): chr2:73,491,021, C>G. VCF-style: chr2-73491021-C-G. GRCh37 (hg19) VCF-style: chr2-73718148-C-G.
Other names: c.9065C>G, p.Ser3022Cys (NM_015120.4); short protein forms S3021C, S3022C.
Identifiers: ClinVar variation 1937553 (VCV001937553.2), dbSNP rs2466219028, ClinGen allele CA347272756.

ClinVar aggregate classification (germline): Uncertain significance (1 of 4 stars; one submission).

Conditions:
Alstrom syndrome (ALMS). Identifiers: Orphanet 64, MedGen C0268425, MONDO:0008763, OMIM 203800.

gnomAD v4.1: 1 of 1,614,226 alleles (0.000062%); highest among the groups gnomAD compares: Non-Finnish European, 0.000085%; no homozygotes.

Submission:

Labcorp Genetics (formerly Invitae), Labcorp
Classification: Uncertain significance for Alstrom syndrome. Last evaluated: 2022-08-20. Review status: criteria provided, single submitter. Criteria: Invitae Variant Classification Sherloc (09022015). Collection method: clinical testing. Allele origin: germline.
Comment: This sequence change replaces serine, which is neutral and polar, with cysteine, which is neutral and slightly polar, at codon 3022 of the ALMS1 protein (p.Ser3022Cys). This variant is not present in population databases (gnomAD no frequency). This variant has not been reported in the literature in individuals affected with ALMS1-related conditions. Experimental studies and prediction algorithms are not available or were not evaluated, and the functional significance of this variant is currently unknown. In summary, the available evidence is currently insufficient to determine the role of this variant in disease. Therefore, it has been classified as a Variant of Uncertain Significance.